The following is an entry in ClinVar:

ClinVar aggregate classification (germline): Uncertain significance (1 of 4 stars; one submission).

Conditions:
Idiopathic generalized epilepsy. Also called: EIG; Generalised epilepsy. Identifiers: MedGen C0270850, MONDO:0005579, OMIM 600669.

Allele frequency attached by ClinVar (database versions not stated): TOPMed below 0.00001.
gnomAD v4.1: 1 of 1,613,946 alleles (0.000062%); no homozygotes.

Submission:

Labcorp Genetics (formerly Invitae), Labcorp
Classification: Uncertain significance for Idiopathic generalized epilepsy. Last evaluated: 2023-09-29. Review status: criteria provided, single submitter. Criteria: Invitae Variant Classification Sherloc (09022015). Collection method: clinical testing. Allele origin: germline.
Comment: Advanced modeling of protein sequence and biophysical properties (such as structural, functional, and spatial information, amino acid conservation, physicochemical variation, residue mobility, and thermodynamic stability) performed at Invitae indicates that this missense variant is not expected to disrupt RBFOX1 protein function. In summary, the available evidence is currently insufficient to determine the role of this variant in disease. Therefore, it has been classified as a Variant of Uncertain Significance. This variant has not been reported in the literature in individuals affected with RBFOX1-related conditions. This variant is not present in population databases (gnomAD no frequency). This sequence change replaces alanine, which is neutral and non-polar, with glycine, which is neutral and non-polar, at codon 89 of the RBFOX1 protein (p.Ala89Gly).

NM_018723.4(RBFOX1):c.206C>G (p.Ala69Gly)

Gene: RBFOX1 (RNA binding fox-1 homolog 1; plus strand). Cytogenetic location: 16p13.3.
Variant type: single nucleotide variant.
Coding change: c.206C>G on transcript NM_018723.4 (MANE Select); coding-DNA position 206, C replaced by G.
Protein change: p.Ala69Gly; replaces alanine 69 with glycine.
Molecular consequence: missense variant.
Genome position (GRCh38, 1-based): chr16:7,518,325, C>G. VCF-style: chr16-7518325-C-G. GRCh37 (hg19) VCF-style: chr16-7568327-C-G.
Other names: c.206C>G, p.Ala69Gly (NM_001142333.2, NM_001142334.2, NM_001364800.2 and 1 more transcripts); c.335C>G, p.Ala112Gly (NM_001308117.1, NM_001411047.1, NM_001415891.1 and 5 more transcripts); c.803C>G, p.Ala268Gly (NM_001415887.1, NM_001415888.1); c.314C>G, p.Ala105Gly (NM_001415889.1, NM_001415892.1, NM_001415894.1 and 5 more transcripts); c.281C>G, p.Ala94Gly (NM_001415890.1, NM_001415893.1, NM_001415899.1 and 4 more transcripts); c.266C>G, p.Ala89Gly (NM_001415896.1, NM_001415904.1, NM_001415906.1 and 4 more transcripts); c.212C>G, p.Ala71Gly (NM_001415902.1, NM_001415911.1, NM_001415917.1); short protein forms A69G, A94G, A112G, A89G, A71G, A105G, A268G.
Identifiers: ClinVar variation 2764239 (VCV002764239.3), dbSNP rs2076811340, ClinGen allele CA394796642.